The following is an entry in ClinVar:

ClinVar aggregate classification (germline): Uncertain significance (1 of 4 stars; one submission).

Conditions:
Familial thoracic aortic aneurysm and aortic dissection (TAAD). Also called: Thoracic aortic aneurysms and dissections. Identifiers: Orphanet 91387, MedGen C4707243, MONDO:0019625.

Submission:

Color Diagnostics, LLC DBA Color Health
Classification: Uncertain significance for Familial thoracic aortic aneurysm and aortic dissection. Last evaluated: 2025-06-30. Review status: criteria provided, single submitter. Criteria: ACMG Guidelines, 2015. Collection method: clinical testing. Allele origin: germline.
Comment: This missense variant replaces serine with threonine at codon 1322 of the MYH11 protein. Computational prediction is inconclusive regarding the impact of this variant on protein structure and function. To our knowledge, functional studies have not been reported for this variant. This variant has not been reported in individuals affected with MYH11-related disorders in the literature. This variant has not been identified in the general population by the Genome Aggregation Database (gnomAD). The available evidence is insufficient to determine the role of this variant in disease conclusively. Therefore, this variant is classified as a Variant of Uncertain Significance.

NM_002474.3(MYH11):c.3943T>A (p.Ser1315Thr)

Genes: NDE1 (nudE neurodevelopment protein 1; plus strand), MYH11 (myosin heavy chain 11; minus strand). Cytogenetic location: 16p13.11.
Variant type: single nucleotide variant.
Coding change: c.3943T>A on transcript NM_002474.3 (MANE Select); coding-DNA position 3943, T replaced by A.
Protein change: p.Ser1315Thr; replaces serine 1315 with threonine.
Molecular consequence: missense variant. On other transcripts: 3 prime UTR variant (2).
Genome position (GRCh38, 1-based): chr16:15,724,908, A>T on the plus strand (T>A on the coding strand, the complement: MYH11 is on the minus strand). VCF-style: chr16-15724908-A-T. GRCh37 (hg19) VCF-style: chr16-15818765-A-T.
Other names: c.3964T>A, p.Ser1322Thr (NM_001040113.2, NM_001040114.2); c.3943T>A, p.Ser1315Thr (NM_022844.3); c.*657A>T (NM_001143979.2, NM_017668.3); short protein forms S1315T, S1322T.
Identifiers: ClinVar variation 4757438 (VCV004757438.1).